The following is an entry in ClinVar:

ClinVar aggregate classification (germline): Pathogenic. Review status: no assertion criteria provided (0 of 4 stars). 2 submissions from 2 submitters: Pathogenic (2). Last evaluated 2013-11-01.

Conditions:
Platelet-type bleeding disorder 17 (BDPLT17). Also called: Thrombasthenia-thrombocytopenia, hereditary. Identifiers: Orphanet 721, MedGen C1861194, MONDO:0008553, OMIM 187900.

Submissions (2):

OMIM
Classification: Pathogenic for BLEEDING DISORDER, PLATELET-TYPE, 17. Last evaluated: 2013-11-01. Review status: no assertion criteria provided. Collection method: literature only. Allele origin: germline.

Northern Blood Research Centre, University of Sydney
Classification: Pathogenic. Review status: no assertion criteria provided. Collection method: not provided. Allele origin: inherited.
Comment: Bleeding disorder representing a new disease phenotype, platelet type macrothrombocytopenia
ClinVar note: Converted during submission from pathogenic to Pathogenic.

Literature cited by the submitters: PubMed 1065298 (cited by OMIM); PubMed 23927492 (cited by OMIM).

NM_001377304.1(GFI1B):c.880dup (p.His294fs)

Gene: GFI1B (growth factor independent 1B transcriptional repressor; plus strand). Cytogenetic location: 9q34.13.
Variant type: Duplication.
Coding change: c.880dup on transcript NM_001377304.1 (MANE Select); coding-DNA position 880, one base duplicated (C; older notation c.880dupC).
Protein change: p.His294fs; shifts the reading frame from histidine 294.
Molecular consequence: frameshift variant.
Genome position (GRCh38, 1-based): chr9:132,990,937, C duplicated; the last of 3 consecutive C bases (chr9:132,990,935-132,990,937); duplicating any one gives the same sequence. VCF-style (leftmost placement, unchanged base first): chr9-132990934-A-AC. GRCh37 (hg19) VCF-style: chr9-135866321-A-AC.
Other names: c.742dup, p.His248fs (NM_001135031.2, NM_001377305.1); c.946dup, p.His316fs (NM_001371908.1); c.880dup, p.His294fs (NM_004188.8); short protein forms H316fs, H294fs, H248fs.
Identifiers: ClinVar variation 88891 (VCV000088891.2), dbSNP rs397989794, ClinGen allele CA150745.